The following is an entry in ClinVar:

NM_000051.4(ATM):c.3493A>T (p.Ser1165Cys)

Gene: ATM (ATM serine/threonine kinase; plus strand). Cytogenetic location: 11q22.3.
Variant type: single nucleotide variant.
Coding change: c.3493A>T on transcript NM_000051.4 (MANE Select); coding-DNA position 3493, A replaced by T.
Protein change: p.Ser1165Cys; replaces serine 1165 with cysteine.
Molecular consequence: missense variant.
Genome position (GRCh38, 1-based): chr11:108,281,085, A>T. VCF-style: chr11-108281085-A-T. GRCh37 (hg19) VCF-style: chr11-108151812-A-T.
Other names: c.3493A>T, p.Ser1165Cys (NM_001351834.2); short protein forms S1165C.
Identifiers: ClinVar variation 571613 (VCV000571613.12), dbSNP rs1351059730, ClinGen allele CA382519656.

ClinVar aggregate classification (germline): Uncertain significance. Review status: criteria provided, multiple submitters, no conflicts (2 of 4 stars). 2 submissions from 2 submitters: Uncertain significance (2). Last evaluated 2024-10-03.

Conditions:
Hereditary cancer-predisposing syndrome. Also called: Hereditary neoplastic syndrome; Neoplastic Syndromes, Hereditary; Hereditary Cancer Syndrome; Tumor predisposition. Identifiers: Orphanet 140162, MedGen C0027672, MeSH D009386, MONDO:0015356.
Ataxia-telangiectasia syndrome (AT). Also called: AT, COMPLEMENTATION GROUP C; Cerebello-oculocutaneous telangiectasia; Immunodeficiency with ataxia telangiectasia; Ataxia-telangiectasia, complementation group D; ATAXIA-TELANGIECTASIA, FRESNO VARIANT; Ataxia-telangiectasia, complementation group E. Identifiers: Orphanet 100, MedGen C0004135, MONDO:0008840, OMIM 208900.

Submissions (2):

Ambry Genetics
Classification: Uncertain significance for Hereditary cancer-predisposing syndrome. Last evaluated: 2024-10-03. Review status: criteria provided, single submitter. Criteria: Ambry Variant Classification Scheme 2023. Collection method: clinical testing. Allele origin: germline.
Comment: The p.S1165C variant (also known as c.3493A>T), located in coding exon 23 of the ATM gene, results from an A to T substitution at nucleotide position 3493. The serine at codon 1165 is replaced by cysteine, an amino acid with dissimilar properties. This amino acid position is highly conserved in available vertebrate species. In addition, this alteration is predicted to be deleterious by in silico analysis. Based on the available evidence, the clinical significance of this variant remains unclear.

Labcorp Genetics (formerly Invitae), Labcorp
Classification: Uncertain significance for Ataxia-telangiectasia syndrome. Last evaluated: 2024-04-02. Review status: criteria provided, single submitter. Criteria: Invitae Variant Classification Sherloc (09022015). Collection method: clinical testing. Allele origin: germline.
Comment: This sequence change replaces serine, which is neutral and polar, with cysteine, which is neutral and slightly polar, at codon 1165 of the ATM protein (p.Ser1165Cys). This variant is not present in population databases (gnomAD no frequency). This variant has not been reported in the literature in individuals affected with ATM-related conditions. ClinVar contains an entry for this variant (Variation ID: 571613). An algorithm developed to predict the effect of missense changes on protein structure and function (PolyPhen-2) suggests that this variant is likely to be disruptive. In summary, the available evidence is currently insufficient to determine the role of this variant in disease. Therefore, it has been classified as a Variant of Uncertain Significance.